The following is an entry in ClinVar:

NM_003954.5(MAP3K14):c.2144C>A (p.Pro715His)

Genes: MAP3K14 (mitogen-activated protein kinase kinase kinase 14; minus strand), MAP3K14-AS1 (MAP3K14 antisense RNA 1; plus strand), LOC126862575 (CDK7 strongly-dependent group 2 enhancer GRCh37_chr17:43344006-43345205; plus strand). Cytogenetic location: 17q21.31.
Variant type: single nucleotide variant.
Coding change: c.2144C>A on transcript NM_003954.5 (MANE Select); coding-DNA position 2144, C replaced by A.
Protein change: p.Pro715His; replaces proline 715 with histidine.
Molecular consequence: missense variant.
Genome position (GRCh38, 1-based): chr17:45,267,588, G>T on the plus strand (C>A on the coding strand, the complement: MAP3K14 is on the minus strand). VCF-style: chr17-45267588-G-T. GRCh37 (hg19) VCF-style: chr17-43344955-G-T.
Other names: short protein forms P715H.
Identifiers: ClinVar variation 1408688 (VCV001408688.7), dbSNP rs1246398259, ClinGen allele CA399875628.

ClinVar aggregate classification (germline): Uncertain significance (1 of 4 stars; one submission).

Conditions:
NIK deficiency. Also called: Primary immunodeficiency with multifaceted aberrant lymphoid immunity. Identifiers: Orphanet 447731, MedGen C5680065, MONDO:0018642.

Submission:

Labcorp Genetics (formerly Invitae), Labcorp
Classification: Uncertain significance for NIK deficiency. Last evaluated: 2020-12-12. Review status: criteria provided, single submitter. Criteria: Invitae Variant Classification Sherloc (09022015). Collection method: clinical testing. Allele origin: germline.
Comment: This sequence change replaces proline with histidine at codon 715 of the MAP3K14 protein (p.Pro715His). The proline residue is highly conserved and there is a moderate physicochemical difference between proline and histidine. In summary, the available evidence is currently insufficient to determine the role of this variant in disease. Therefore, it has been classified as a Variant of Uncertain Significance. Experimental studies and prediction algorithms are not available or were not evaluated, and the functional significance of this variant is currently unknown. This variant has not been reported in the literature in individuals with MAP3K14-related conditions. This variant is not present in population databases (ExAC no frequency).